The following is an entry in ClinVar:

ClinVar aggregate classification (germline): Uncertain significance. Review status: criteria provided, single submitter (1 of 4 stars). 2 submissions from 2 submitters: Uncertain significance (1). 1 of the submissions does not count toward it. Last evaluated 2024-08-19.

Conditions:
Subcutaneous panniculitis-like T-cell lymphoma (SPTCL). Identifiers: Orphanet 86884, MedGen C0522624, MONDO:0019475, OMIM 618398, HP:0034403.

Allele frequency attached by ClinVar (database versions not stated): gnomAD 0.00001 and 0.00002; gnomAD exomes 0.00003 and 0.00005; TOPMed 0.00004; ExAC 0.00005; ESP Exome Variant Server 0.00008.
gnomAD v4.1: 42 of 1,614,086 alleles (0.0026%); highest among the groups gnomAD compares: South Asian, 0.022%; no homozygotes.

Submissions (2):

Blueprint Genetics
Classification: Uncertain significance. Last evaluated: 2024-08-19. Review status: criteria provided, single submitter. Criteria: ACMG Guidelines, 2015. Collection method: clinical testing. Allele origin: germline.

Department of Pathology and Laboratory Medicine, Sinai Health System
Classification: Uncertain significance for Subcutaneous panniculitis-like T-cell lymphoma. Review status: no assertion criteria provided. Collection method: clinical testing. Allele origin: unknown. Affected: yes. Study: The Canadian Open Genetics Repository (COGR). Not counted in ClinVar's aggregate classification.
Comment: The HAVCR2 p.R111Q variant was not identified in the literature nor was it identified ClinVar. The variant was identified in dbSNP (ID: rs367701067) and in control databases in 14 of 282336 chromosomes at a frequency of 0.00004959 (Genome Aggregation Database March 6, 2019, v2.1.1). The p.R111 residue is conserved in mammals and computational analyses (MUT Assesor, PolyPhen-2, SIFT, MutationTaster, Revel, FATHMM, MetaLR, DANN) provide inconsistent predictions regarding the impact to the protein; this information is not very predictive of pathogenicity. The variant occurs outside of the splicing consensus sequence and in silico or computational prediction software programs (Splice AI exome) do not predict a difference in splicing. In summary, based on the above information the clinical significance of this variant cannot be determined with certainty at this time. This variant is classified as a variant of uncertain significance.

NM_032782.5(HAVCR2):c.332G>A (p.Arg111Gln)

Gene: HAVCR2 (hepatitis A virus cellular receptor 2; minus strand). Cytogenetic location: 5q33.3.
Variant type: single nucleotide variant.
Coding change: c.332G>A on transcript NM_032782.5 (MANE Select); coding-DNA position 332, G replaced by A.
Protein change: p.Arg111Gln; replaces arginine 111 with glutamine.
Molecular consequence: missense variant.
Genome position (GRCh38, 1-based): chr5:157,106,689, C>T on the plus strand (G>A on the coding strand, the complement: HAVCR2 is on the minus strand). VCF-style: chr5-157106689-C-T. GRCh37 (hg19) VCF-style: chr5-156533700-C-T.
Other names: short protein forms R111Q.
Identifiers: ClinVar variation 1049012 (VCV001049012.2), dbSNP rs367701067, ClinGen allele CA3531956.
Genomic context (GRCh38, chr5:157,106,689, plus strand): 5'-GGTTTGATGACCAACTTCAGGTTAAATTTTTCATCATTCATTATGCCTGGGATTTGGATC[C>T]GGCAGCAGTAGATCCCACTGTCTGCTAGAGTCACATTCTCTATGGTCAGGGACACATCTC-3'
Protein context (NP_116171.3, residues 101-121): TLADSGIYCC[Arg111Gln]IQIPGIMNDE